The following is an entry in ClinVar:

NM_015311.3(OBSL1):c.3402del (p.Thr1135fs)

Gene: OBSL1 (obscurin like cytoskeletal adaptor 1; minus strand). Cytogenetic location: 2q35.
Variant type: Deletion.
Coding change: c.3402del on transcript NM_015311.3 (MANE Select); coding-DNA position 3402, one base deleted (C; older notation c.3402delC).
Protein change: p.Thr1135fs; shifts the reading frame from threonine 1135.
Molecular consequence: frameshift variant.
Genome position (GRCh38, 1-based): chr2:219,558,284, G deleted on the plus strand (C on the coding strand, the reverse complement: OBSL1 is on the minus strand); the first of 3 consecutive G bases (chr2:219,558,284-219,558,286); deleting any one gives the same sequence. VCF-style (leftmost placement, unchanged base first): chr2-219558283-TG-T. GRCh37 (hg19) VCF-style: chr2-220423005-TG-T.
Other names: c.3402del, p.Thr1135fs (NM_001173431.2); c.3402delC (NM_015311.3); short protein forms T1135fs.
Identifiers: ClinVar variation 809173 (VCV000809173.44), dbSNP rs1449351602, ClinGen allele CA539844743.
Genomic context (GRCh38, chr2:219,558,283, plus strand): 5'-TCTCACACACATACTCCCCGGCGTCCTCAGGCTGGGCGTGGGGCAGGGTCAGGGTGCGGG[TG>T]GGCCCCTCGGCACCCAGCTGCAGGGCATCTGATGCCTCCACTTCCAGCCCGTCCTTGTAC-3'

ClinVar aggregate classification (germline): Conflicting classifications of pathogenicity. Review status: criteria provided, conflicting classifications (1 of 4 stars). 3 submissions from 3 submitters: Pathogenic (1); Likely pathogenic (1); Uncertain significance (1). Last evaluated 2026-03-13.

Conditions:
Fetal anomalies with a likely genetic cause.

Submissions (3):

Genetics Laboratory, Great Ormond Street Hospital NHS Foundation Trust, North Thames Genomic Laboratory Hub
Classification: Pathogenic for Fetal anomalies with a likely genetic cause. Last evaluated: 2026-03-13. Review status: criteria provided, single submitter. Criteria: ACGS Best Practice Guidelines for Variant Classification in Rare Disease 2024 v1.2. Collection method: clinical testing. Allele origin: germline. Affected: yes.
Comment: PM2_moderate, PVS1_very-strong

Women's Health and Genetics/Laboratory Corporation of America, LabCorp
Classification: Uncertain significance. Last evaluated: 2024-11-05. Review status: criteria provided, single submitter. Criteria: LabCorp Variant Classification Summary - May 2015. Collection method: clinical testing. Allele origin: germline.
Comment: Variant summary: OBSL1 c.3402delC (p.Thr1135ProfsX4) results in a premature termination codon, predicted to cause a truncation of the encoded protein, however the significance of this region is unclear. The variant allele was found at a frequency of 1.6e-05 in 242482 control chromosomes. The available data on variant occurrences in the general population are insufficient to allow any conclusion about variant significance. To our knowledge, no occurrence of c.3402delC in individuals affected with Three M Syndrome 2 and no experimental evidence demonstrating its impact on protein function have been reported. ClinVar contains an entry for this variant (Variation ID: 809173). Based on the evidence outlined above, the variant was classified as uncertain significance.

CeGaT Center for Human Genetics Tuebingen
Classification: Likely pathogenic. Last evaluated: 2017-12-01. Review status: criteria provided, single submitter. Criteria: CeGaT Center For Human Genetics Tuebingen Variant Classification Criteria Version 2. Collection method: clinical testing. Allele origin: germline. Affected: yes. Observed: 1 variant allele.